The following is an entry in ClinVar:

NM_001110556.2(FLNA):c.2524G>A (p.Gly842Arg)

Gene: FLNA (filamin A; minus strand). Cytogenetic location: Xq28.
Variant type: single nucleotide variant.
Coding change: c.2524G>A on transcript NM_001110556.2 (MANE Select); coding-DNA position 2524, G replaced by A.
Protein change: p.Gly842Arg; replaces glycine 842 with arginine.
Molecular consequence: missense variant.
Genome position (GRCh38, 1-based): chrX:154,362,459, C>T on the plus strand (G>A on the coding strand, the complement: FLNA is on the minus strand). VCF-style: chrX-154362459-C-T. GRCh37 (hg19) VCF-style: chrX-153590827-C-T.
Other names: c.2524G>A (NM_001456.3); c.2524G>A, p.Gly842Arg (NM_001456.4); short protein forms G842R.
Identifiers: ClinVar variation 1440269 (VCV001440269.8), dbSNP rs1557178241, ClinGen allele CA415235981.

ClinVar aggregate classification (germline): Uncertain significance. Review status: criteria provided, multiple submitters, no conflicts (2 of 4 stars). 2 submissions from 2 submitters: Uncertain significance (2). Last evaluated 2024-08-22.

Conditions:
Melnick-Needles syndrome (MNS). Also called: MELNICK-NEEDLES OSTEODYSPLASTY; Melnick-Needles Syndrome (FLNA-MNS); OSTEODYSPLASTY OF MELNICK AND NEEDLES. Identifiers: Orphanet 2484, MedGen C0025237, MONDO:0010650, OMIM 309350.
Frontometaphyseal dysplasia (FMD1). Identifiers: Orphanet 1826, MedGen C0265293, MONDO:0015942.
Heterotopia, periventricular, X-linked dominant (PVNH1). Also called: PERIVENTRICULAR NODULAR HETEROTOPIA 1; X-linked periventricular heterotopia; PERIVENTRICULAR NODULAR HETEROTOPIA 4; HETEROTOPIA, PERIVENTRICULAR, 1. Identifiers: Orphanet 2149, Orphanet 82004, MedGen C1848213, MONDO:0010233, OMIM 300049.
Oto-palato-digital syndrome, type II (OPD2). Also called: FACIOPALATOOSSEOUS SYNDROME; Otopalatodigital Syndrome Type 2 (FLNA-OPD2); OPD II SYNDROME; Otopalatodigital Syndrome, Type II. Identifiers: Orphanet 669, Orphanet 90652, MedGen C1844696, MONDO:0010571, OMIM 304120.

Allele frequency attached by ClinVar (database versions not stated): TOPMed 0.00001.

Submissions (2):

Labcorp Genetics (formerly Invitae), Labcorp
Classification: Uncertain significance for Oto-palato-digital syndrome, type II; Heterotopia, periventricular, X-linked dominant; Frontometaphyseal dysplasia; Melnick-Needles syndrome. Last evaluated: 2024-08-22. Review status: criteria provided, single submitter. Criteria: Invitae Variant Classification Sherloc (09022015). Collection method: clinical testing. Allele origin: germline.
Comment: This sequence change replaces glycine, which is neutral and non-polar, with arginine, which is basic and polar, at codon 842 of the FLNA protein (p.Gly842Arg). This variant is not present in population databases (gnomAD no frequency). This variant has not been reported in the literature in individuals affected with FLNA-related conditions. ClinVar contains an entry for this variant (Variation ID: 1440269). Invitae Evidence Modeling of protein sequence and biophysical properties (such as structural, functional, and spatial information, amino acid conservation, physicochemical variation, residue mobility, and thermodynamic stability) indicates that this missense variant is not expected to disrupt FLNA protein function with a negative predictive value of 95%. In summary, the available evidence is currently insufficient to determine the role of this variant in disease. Therefore, it has been classified as a Variant of Uncertain Significance.

GeneDx
Classification: Uncertain significance. Last evaluated: 2023-08-29. Review status: criteria provided, single submitter. Criteria: GeneDx Variant Classification Process June 2021. Collection method: clinical testing. Allele origin: germline. Affected: yes.
Comment: Not observed at significant frequency in large population cohorts (gnomAD); In silico analysis supports that this missense variant has a deleterious effect on protein structure/function; Has not been previously published as pathogenic or benign to our knowledge